The following is an entry in ClinVar:

ClinVar aggregate classification (germline): Uncertain significance (1 of 4 stars; one submission).

Allele frequency attached by ClinVar (database versions not stated): gnomAD exomes below 0.00001; gnomAD 0.00001.
gnomAD v4.1: 4 of 1,614,050 alleles (0.00025%); highest among the groups gnomAD compares: South Asian, 0.0011%; no homozygotes.

Submission:

Labcorp Genetics (formerly Invitae), Labcorp
Classification: Uncertain significance. Last evaluated: 2025-11-24. Review status: criteria provided, single submitter. Criteria: Invitae Variant Classification Sherloc (09022015). Collection method: clinical testing. Allele origin: germline.
Comment: This sequence change replaces arginine, which is basic and polar, with cysteine, which is neutral and slightly polar, at codon 1196 of the COL4A2 protein (p.Arg1196Cys). This variant is present in population databases (no rsID available, gnomAD 0.002%). This variant has not been reported in the literature in individuals affected with COL4A2-related conditions. ClinVar contains an entry for this variant (Variation ID: 1946572). Invitae Evidence Modeling of protein sequence and biophysical properties (such as structural, functional, and spatial information, amino acid conservation, physicochemical variation, residue mobility, and thermodynamic stability) indicates that this missense variant is not expected to disrupt COL4A2 protein function with a negative predictive value of 95%. In summary, the available evidence is currently insufficient to determine the role of this variant in disease. Therefore, it has been classified as a Variant of Uncertain Significance.

NM_001846.4(COL4A2):c.3586C>T (p.Arg1196Cys)

Gene: COL4A2 (collagen type IV alpha 2 chain; plus strand). Cytogenetic location: 13q34.
Variant type: single nucleotide variant.
Coding change: c.3586C>T on transcript NM_001846.4 (MANE Select); coding-DNA position 3586, C replaced by T.
Protein change: p.Arg1196Cys; replaces arginine 1196 with cysteine.
Molecular consequence: missense variant.
Genome position (GRCh38, 1-based): chr13:110,493,234, C>T. VCF-style: chr13-110493234-C-T. GRCh37 (hg19) VCF-style: chr13-111145581-C-T.
Other names: short protein forms R1196C.
Identifiers: ClinVar variation 1946572 (VCV001946572.5), dbSNP rs1298681133, ClinGen allele CA388732884.